The following is an entry in ClinVar:

NM_177972.3(TUB):c.501G>C (p.Glu167Asp)

Genes: TUB (TUB bipartite transcription factor; plus strand), RIC3 (RIC3 acetylcholine receptor chaperone; minus strand). Cytogenetic location: 11p15.4.
Variant type: single nucleotide variant.
Coding change: c.501G>C on transcript NM_177972.3 (MANE Select); coding-DNA position 501, G replaced by C.
Protein change: p.Glu167Asp; replaces glutamic acid 167 with aspartic acid.
Molecular consequence: missense variant.
Genome position (GRCh38, 1-based): chr11:8,095,601, G>C. VCF-style: chr11-8095601-G-C. GRCh37 (hg19) VCF-style: chr11-8117148-G-C.
Other names: c.666G>C, p.Glu222Asp (NM_003320.5); short protein forms E167D, E222D.
Identifiers: ClinVar variation 1435966 (VCV001435966.6), dbSNP rs2133863913, ClinGen allele CA379566393.

ClinVar aggregate classification (germline): Uncertain significance (1 of 4 stars; one submission).

Submission:

Labcorp Genetics (formerly Invitae), Labcorp
Classification: Uncertain significance. Last evaluated: 2024-12-02. Review status: criteria provided, single submitter. Criteria: Invitae Variant Classification Sherloc (09022015). Collection method: clinical testing. Allele origin: germline.
Comment: This sequence change replaces glutamic acid, which is acidic and polar, with aspartic acid, which is acidic and polar, at codon 222 of the TUB protein (p.Glu222Asp). This variant is not present in population databases (gnomAD no frequency). This variant has not been reported in the literature in individuals affected with TUB-related conditions. ClinVar contains an entry for this variant (Variation ID: 1435966). An algorithm developed to predict the effect of missense changes on protein structure and function outputs the following: PolyPhen-2: "Probably Damaging". The aspartic acid amino acid residue is found in multiple mammalian species, which suggests that this missense change does not adversely affect protein function. In summary, the available evidence is currently insufficient to determine the role of this variant in disease. Therefore, it has been classified as a Variant of Uncertain Significance.